The following is an entry in ClinVar:

NM_017799.4(TMEM260):c.410G>A (p.Trp137Ter)

Gene: TMEM260 (transmembrane protein 260; plus strand). Cytogenetic location: 14q22.3.
Variant type: single nucleotide variant.
Coding change: c.410G>A on transcript NM_017799.4 (MANE Select); coding-DNA position 410, G replaced by A.
Protein change: p.Trp137Ter; replaces tryptophan 137 with a stop codon.
Molecular consequence: nonsense.
Genome position (GRCh38, 1-based): chr14:56,603,880, G>A. VCF-style: chr14-56603880-G-A. GRCh37 (hg19) VCF-style: chr14-57070598-G-A.
Other names: short protein forms W137*.
Identifiers: ClinVar variation 5018598 (VCV005018598.2).

ClinVar aggregate classification (germline): Likely pathogenic (1 of 4 stars; one submission).

Conditions:
Structural heart defects and renal anomalies syndrome (SHDRA). Identifiers: Orphanet 689822, MedGen C4479549, MONDO:0044321, OMIM 617478.

Submission:

Juno Genomics, Hangzhou Juno Genomics, Inc
Classification: Likely pathogenic for Structural heart defects and renal anomalies syndrome. Review status: criteria provided, single submitter. Criteria: ACMG Guidelines, 2015. Collection method: clinical testing. Allele origin: germline.
Comment: Absent from controls (or at extremely low frequency if recessive) in Genome Aggregation Database.;Null variant in a gene where loss of function (LOF) is a known mechanism of disease.